The following is an entry in ClinVar:

NM_001145165.2(DOHH):c.748G>A (p.Ala250Thr)

Gene: DOHH (deoxyhypusine hydroxylase; minus strand). Cytogenetic location: 19p13.3.
Variant type: single nucleotide variant.
Coding change: c.748G>A on transcript NM_001145165.2 (MANE Select); coding-DNA position 748, G replaced by A.
Protein change: p.Ala250Thr; replaces alanine 250 with threonine.
Molecular consequence: missense variant.
Genome position (GRCh38, 1-based): chr19:3,491,653, C>T on the plus strand (G>A on the coding strand, the complement: DOHH is on the minus strand). VCF-style: chr19-3491653-C-T. GRCh37 (hg19) VCF-style: chr19-3491651-C-T.
Other names: c.748G>A, p.Ala250Thr (NM_031304.5); short protein forms A250T.
Identifiers: ClinVar variation 4014307 (VCV004014307.2).

ClinVar aggregate classification (germline): Uncertain significance. Review status: criteria provided, multiple submitters, no conflicts (2 of 4 stars). 2 submissions from 2 submitters: Uncertain significance (2). Last evaluated 2025-05-17.

gnomAD v4.1: 13 of 1,534,744 alleles (0.00085%); highest among the groups gnomAD compares: Admixed American, 0.0059%; no homozygotes.

Submissions (2):

Ambry Genetics
Classification: Uncertain significance. Last evaluated: 2025-05-17. Review status: criteria provided, single submitter. Criteria: Ambry Variant Classification Scheme 2023. Collection method: clinical testing. Allele origin: germline.

GeneDx
Classification: Uncertain significance. Last evaluated: 2023-02-06. Review status: criteria provided, single submitter. Criteria: GeneDx Variant Classification Process June 2021. Collection method: clinical testing. Allele origin: germline. Affected: yes.
Comment: In silico analysis supports that this missense variant has a deleterious effect on protein structure/function; Has not been previously published as pathogenic or benign to our knowledge; Variants in candidate genes are classified as variants of uncertain significance in accordance with ACMG guidelines (Richards et al., 2015)